The following is an entry in ClinVar:

NM_031942.5(CDCA7):c.858G>C (p.Leu286Phe)

Gene: CDCA7 (cell division cycle associated 7; plus strand). Cytogenetic location: 2q31.1.
Variant type: single nucleotide variant.
Coding change: c.858G>C on transcript NM_031942.5 (MANE Select); coding-DNA position 858, G replaced by C.
Protein change: p.Leu286Phe; replaces leucine 286 with phenylalanine.
Molecular consequence: missense variant.
Genome position (GRCh38, 1-based): chr2:173,364,953, G>C. VCF-style: chr2-173364953-G-C. GRCh37 (hg19) VCF-style: chr2-174229681-G-C.
Other names: c.621G>C, p.Leu207Phe (NM_145810.3); short protein forms L207F, L286F.
Identifiers: ClinVar variation 2415700 (VCV002415700.6), dbSNP rs908943345, ClinGen allele CA60778996.

ClinVar aggregate classification (germline): Uncertain significance (1 of 4 stars; one submission).

Allele frequency attached by ClinVar (database versions not stated): gnomAD exomes 0.00002.

Submission:

Labcorp Genetics (formerly Invitae), Labcorp
Classification: Uncertain significance. Last evaluated: 2025-11-08. Review status: criteria provided, single submitter. Criteria: Invitae Variant Classification Sherloc (09022015). Collection method: clinical testing. Allele origin: germline.
Comment: This sequence change replaces leucine, which is neutral and non-polar, with phenylalanine, which is neutral and non-polar, at codon 286 of the CDCA7 protein (p.Leu286Phe). This variant is present in population databases (no rsID available, gnomAD 0.02%). This variant has not been reported in the literature in individuals affected with CDCA7-related conditions. ClinVar contains an entry for this variant (Variation ID: 2415700). Invitae Evidence Modeling of protein sequence and biophysical properties (such as structural, functional, and spatial information, amino acid conservation, physicochemical variation, residue mobility, and thermodynamic stability) indicates that this missense variant is not expected to disrupt CDCA7 protein function with a negative predictive value of 80%. In summary, the available evidence is currently insufficient to determine the role of this variant in disease. Therefore, it has been classified as a Variant of Uncertain Significance.